The following is an entry in ClinVar:

ClinVar aggregate classification (germline): Benign/Likely benign. Review status: criteria provided, multiple submitters, no conflicts (2 of 4 stars). 4 submissions from 4 submitters: Benign (1); Likely benign (3). Last evaluated 2025-06-08.

Conditions:
Hereditary cancer-predisposing syndrome. Also called: Neoplastic Syndromes, Hereditary; Hereditary neoplastic syndrome; Tumor predisposition; Hereditary Cancer Syndrome. Identifiers: Orphanet 140162, MedGen C0027672, MeSH D009386, MONDO:0015356.
Familial adenomatous polyposis 1 (FAP1). Also called: POLYPOSIS, ADENOMATOUS INTESTINAL; FAMILIAL ADENOMATOUS POLYPOSIS 1, ATTENUATED. Identifiers: MedGen C2713442, MONDO:0021056, OMIM 175100. Disease mechanism: loss of function.
Classic or attenuated familial adenomatous polyposis. Identifiers: MedGen CN372698, MONDO:0021057.

Submissions (4):

Ambry Genetics
Classification: Likely benign for Hereditary cancer-predisposing syndrome. Last evaluated: 2025-06-08. Review status: criteria provided, single submitter. Criteria: Ambry Variant Classification Scheme 2023. Collection method: clinical testing. Allele origin: germline.

Myriad Genetics, Inc.
Classification: Benign for Familial adenomatous polyposis 1. Last evaluated: 2024-03-14. Review status: criteria provided, single submitter. Criteria: Myriad Autosomal Dominant, Autosomal Recessive and X-Linked Classification Criteria (2023). Collection method: clinical testing. Allele origin: unknown.
Comment: This variant is considered benign. This variant is a silent/synonymous amino acid change and it is not expected to impact splicing.

All of Us Research Program, National Institutes of Health
Classification: Likely benign for Classic or attenuated familial adenomatous polyposis. Last evaluated: 2023-01-10. Review status: criteria provided, single submitter. Criteria: ACMG Guidelines, 2015. Collection method: clinical testing. Allele origin: germline. Inheritance: Autosomal dominant inheritance. Observed: 1 variant allele, 1 heterozygote.
Comment: This study involves interpretation of variants in research participants for the purpose of population health screening. Participant phenotype was not available at the time of variant classification. Additional details can be found in publication PMID: 35346344, PMCID: PMC8962531

Labcorp Genetics (formerly Invitae), Labcorp
Classification: Likely benign for Familial adenomatous polyposis 1. Last evaluated: 2022-10-17. Review status: criteria provided, single submitter. Criteria: Invitae Variant Classification Sherloc (09022015). Collection method: clinical testing. Allele origin: germline.

NM_000038.6(APC):c.2508A>C (p.Ser836=)

Gene: APC (APC regulator of Wnt signaling pathway; plus strand). Cytogenetic location: 5q22.2.
Variant type: single nucleotide variant.
Coding change: c.2508A>C on transcript NM_000038.6 (MANE Select); coding-DNA position 2508, A replaced by C.
Protein change: p.Ser836=; no amino-acid change (serine 836 retained).
Molecular consequence: synonymous variant.
Genome position (GRCh38, 1-based): chr5:112,838,102, A>C. VCF-style: chr5-112838102-A-C. GRCh37 (hg19) VCF-style: chr5-112173799-A-C.
Other names: c.2508A>C, p.Ser836= (NM_001127510.3, NM_001354895.2); c.2454A>C, p.Ser818= (NM_001127511.3); c.2562A>C, p.Ser854= (NM_001354896.2); c.2538A>C, p.Ser846= (NM_001354897.2); c.2433A>C, p.Ser811= (NM_001354898.2); c.2424A>C, p.Ser808= (NM_001354899.2); c.2385A>C, p.Ser795= (NM_001354900.2); c.2331A>C, p.Ser777= (NM_001354901.2); and 5 more.
Identifiers: ClinVar variation 793947 (VCV000793947.15), dbSNP rs1580623312, ClinGen allele CA445962810.